The following is an entry in ClinVar:

NM_017780.4(CHD7):c.5051-25A>G

Gene: CHD7 (chromodomain helicase DNA binding protein 7; plus strand). Cytogenetic location: 8q12.2.
Variant type: single nucleotide variant.
Coding change: c.5051-25A>G on transcript NM_017780.4 (MANE Select); 25 bases into the intron before coding-DNA position 5051, A replaced by G.
Molecular consequence: intron variant.
Genome position (GRCh38, 1-based): chr8:60,845,225, A>G. VCF-style: chr8-60845225-A-G. GRCh37 (hg19) VCF-style: chr8-61757784-A-G.
Other names: c.1717-17004A>G (NM_001316690.1); c.5051-25A>G (NM_017780.3).
Identifiers: ClinVar variation 1263010 (VCV001263010.28), dbSNP rs185141793, ClinGen allele CA4760254.
Genomic context (GRCh38, chr8:60,845,225, plus strand): 5'-CCTGCCTCGTGCATTAAGCTCTCTGCCATTGACACTATAATTGGAATGTAAAAGGCTTCT[A>G]TTATTATTATGATGGTGATTCTAGGTTTGTCAGCTCCTGTGCCAAGGGGAAGGAAGGGAA-3'

ClinVar aggregate classification (germline): Benign/Likely benign. Review status: criteria provided, multiple submitters, no conflicts (2 of 4 stars). 4 submissions from 4 submitters: Benign (1); Likely benign (2). 1 of the submissions does not count toward it. Last evaluated 2025-03-01.

Conditions:
CHD7-related disorder. Also called: CHD7-related condition.

Allele frequency attached by ClinVar (database versions not stated): 1000 Genomes Project 30x 0.00016; 1000 Genomes Project 0.00020; ExAC 0.00128; gnomAD exomes 0.00135 and 0.00243; gnomAD 0.00153; TOPMed 0.00159; ESP Exome Variant Server 0.00192.
gnomAD v4.1: 3,699 of 1,596,100 alleles (0.23%); highest among the groups gnomAD compares: Non-Finnish European, 0.3%; 6 homozygotes.

Submissions (4):

CeGaT Center for Human Genetics Tuebingen
Classification: Likely benign. Last evaluated: 2025-03-01. Review status: criteria provided, single submitter. Criteria: CeGaT Center For Human Genetics Tuebingen Variant Classification Criteria Version 2. Collection method: clinical testing. Allele origin: germline. Affected: yes. Observed: 5 variant alleles.
Comment: CHD7: BS1

Blueprint Genetics
Classification: Likely benign. Last evaluated: 2024-11-22. Review status: criteria provided, single submitter. Criteria: ACMG Guidelines, 2015. Collection method: clinical testing. Allele origin: germline.

GeneDx
Classification: Benign. Last evaluated: 2015-03-03. Review status: criteria provided, single submitter. Criteria: GeneDx Variant Classification Process June 2021. Collection method: clinical testing. Allele origin: germline. Affected: yes.

PreventionGenetics, part of Exact Sciences
Classification: Likely benign for CHD7-related condition. Last evaluated: 2020-09-09. Review status: no assertion criteria provided. Collection method: clinical testing. Allele origin: germline. Not counted in ClinVar's aggregate classification.
Comment: This variant is classified as likely benign based on ACMG/AMP sequence variant interpretation guidelines (Richards et al. 2015 PMID: 25741868, with internal and published modifications).